The following is an entry in ClinVar:

NM_000535.7(PMS2):c.129del (p.Glu44fs)

Gene: PMS2 (PMS1 homolog 2, mismatch repair system component; minus strand). Cytogenetic location: 7p22.1.
Variant type: Deletion.
Coding change: c.129del on transcript NM_000535.7 (MANE Select); coding-DNA position 129, one base deleted (A; older notation c.129delA).
Protein change: p.Glu44fs; shifts the reading frame from glutamic acid 44.
Molecular consequence: frameshift variant. On other transcripts: 5 prime UTR variant (8), non-coding transcript variant (1), intron variant (3).
Genome position (GRCh38, 1-based): chr7:6,005,926, T deleted on the plus strand (A on the coding strand, the reverse complement: PMS2 is on the minus strand). VCF-style (leftmost placement, unchanged base first): chr7-6005925-CT-C. GRCh37 (hg19) VCF-style: chr7-6045556-CT-C.
Other names: c.-277del (NM_001322003.2, NM_001322005.2, NM_001322009.2 and 1 more transcripts); c.129del, p.Glu44fs (NM_001322006.2, NM_001322014.2); c.-87del (NM_001322007.2); c.-756del (NM_001322011.2, NM_001322012.2); c.-356del (NM_001322015.2); c.-52-1868del (NM_001322008.2); c.-242-1868del (NM_001322010.2, NM_001322004.2); short protein forms E44fs.
Identifiers: ClinVar variation 411082 (VCV000411082.12), dbSNP rs1060503148, ClinGen allele CA16612290.
Genomic context (GRCh38, chr7:6,005,925, plus strand): 5'-TGTGGCTTAAAACTCTCCCAAACTTACCAATATTAGTGGCACCAGCATCCAGACTGTTTT[CT>C]ACTAACTCCTTTACCGCAGTGCTTAGACTCAGTACCACCTGCCCAGAGCAAATCTGATGG-3'

ClinVar aggregate classification (germline): Pathogenic. Review status: criteria provided, multiple submitters, no conflicts (2 of 4 stars). 3 submissions from 3 submitters: Pathogenic (3). Last evaluated 2024-12-30.

Conditions:
Lynch syndrome 4 (LYNCH4). Also called: Colorectal cancer, hereditary nonpolyposis, type 4; Hereditary non-polyposis colorectal cancer, type 4. Identifiers: Orphanet 144, MedGen C1838333, MONDO:0013699, OMIM 614337. Disease mechanism: loss of function.
Hereditary nonpolyposis colorectal neoplasms. Identifiers: MedGen C0009405, MeSH D003123.
Hereditary cancer-predisposing syndrome. Also called: Tumor predisposition; Hereditary Cancer Syndrome; Hereditary neoplastic syndrome; Neoplastic Syndromes, Hereditary. Identifiers: Orphanet 140162, MedGen C0027672, MeSH D009386, MONDO:0015356.

Submissions (3):

Ambry Genetics
Classification: Pathogenic for Hereditary cancer-predisposing syndrome. Last evaluated: 2024-12-30. Review status: criteria provided, single submitter. Criteria: Ambry Variant Classification Scheme 2023. Collection method: clinical testing. Allele origin: germline.
Comment: The c.129delA pathogenic mutation, located in coding exon 2 of the PMS2 gene, results from a deletion of one nucleotide at nucleotide position 129, causing a translational frameshift with a predicted alternate stop codon (p.E44Kfs*13). This variant is considered to be rare based on population cohorts in the Genome Aggregation Database (gnomAD). This alteration is expected to result in loss of function by premature protein truncation or nonsense-mediated mRNA decay. As such, this alteration is interpreted as a disease-causing mutation.

Myriad Genetics, Inc.
Classification: Pathogenic for Lynch syndrome 4. Last evaluated: 2023-09-18. Review status: criteria provided, single submitter. Criteria: Myriad Autosomal Dominant, Autosomal Recessive and X-Linked Classification Criteria (2023). Collection method: clinical testing. Allele origin: unknown.
Comment: This variant is considered pathogenic. This variant creates a frameshift predicted to result in premature protein truncation.

Labcorp Genetics (formerly Invitae), Labcorp
Classification: Pathogenic for Hereditary nonpolyposis colorectal neoplasms. Last evaluated: 2021-09-24. Review status: criteria provided, single submitter. Criteria: Invitae Variant Classification Sherloc (09022015). Collection method: clinical testing. Allele origin: germline.
Comment: This variant has not been reported in the literature in individuals affected with PMS2-related conditions. ClinVar contains an entry for this variant (Variation ID: 411082). For these reasons, this variant has been classified as Pathogenic. This variant is not present in population databases (ExAC no frequency). This sequence change creates a premature translational stop signal (p.Glu44Lysfs*13) in the PMS2 gene. It is expected to result in an absent or disrupted protein product. Loss-of-function variants in PMS2 are known to be pathogenic (PMID: 21376568, 24362816).

Literature cited by the submitters: PubMed 21376568 (cited by Labcorp Genetics (formerly Invitae), Labcorp); PubMed 24362816 (cited by Labcorp Genetics (formerly Invitae), Labcorp).